The following is an entry in ClinVar:

ClinVar aggregate classification (germline): Benign. Review status: criteria provided, multiple submitters, no conflicts (2 of 4 stars). 4 submissions from 3 submitters: Benign (4). Last evaluated 2021-05-08.

Conditions:
Tangier disease (TGD). Also called: HIGH DENSITY LIPOPROTEIN DEFICIENCY, TANGIER TYPE; HIGH DENSITY LIPOPROTEIN DEFICIENCY, TYPE 1; Cholesterol thesaurismosis. Identifiers: Orphanet 31150, MedGen C0039292, MONDO:0008783, OMIM 205400.
Hypoalphalipoproteinemia, primary, 1. Identifiers: Orphanet 425, MedGen C5231558, MONDO:0011393, OMIM 604091.

Allele frequency attached by ClinVar (database versions not stated): TOPMed 0.14185; gnomAD 0.14582 and 0.15123; 1000 Genomes Project 30x 0.17349; 1000 Genomes Project 0.17871.

Submissions (4):

GeneDx
Classification: Benign. Last evaluated: 2021-05-08. Review status: criteria provided, single submitter. Criteria: GeneDx Variant Classification Process June 2021. Collection method: clinical testing. Allele origin: germline. Affected: yes.

Illumina Laboratory Services, Illumina
Classification: Benign for Tangier disease. Last evaluated: 2018-01-13. Review status: criteria provided, single submitter. Criteria: ICSL Variant Classification Criteria 13 December 2019. Collection method: clinical testing. Allele origin: germline.
Comment: This variant was observed in the ICSL laboratory as part of a predisposition screen in an ostensibly healthy population. It had not been previously curated by ICSL or reported in the Human Gene Mutation Database (HGMD: prior to June 1st, 2018), and was therefore a candidate for classification through an automated scoring system. Utilizing variant allele frequency, disease prevalence and penetrance estimates, and inheritance mode, an automated score was calculated to assess if this variant is too frequent to cause the disease. Based on the score and internal cut-off values, a variant classified as benign is not then subjected to further curation. The score for this variant resulted in a classification of benign for this disease.

Illumina Laboratory Services, Illumina
Classification: Benign for Hypoalphalipoproteinemia, primary, 1. Last evaluated: 2018-01-13. Review status: criteria provided, single submitter. Criteria: ICSL Variant Classification Criteria 13 December 2019. Collection method: clinical testing. Allele origin: germline.
Comment: the same text as in the submission from Illumina Laboratory Services, Illumina above.

Breakthrough Genomics
Classification: Benign. Review status: criteria provided, single submitter. Criteria: ACMG Guidelines, 2015. Collection method: not provided. Allele origin: germline. Inheritance: Autosomal recessive inheritance. Affected: yes.

NM_005502.4(ABCA1):c.*2311A>G

Genes: ABCA1 (ATP binding cassette subfamily A member 1; minus strand), NIPSNAP3B (nipsnap homolog 3B; plus strand). Cytogenetic location: 9q31.1.
Variant type: single nucleotide variant.
Coding change: c.*2311A>G on transcript NM_005502.4 (MANE Select); 2311 bases downstream of the stop codon, A replaced by G.
Molecular consequence: 3 prime UTR variant.
Genome position (GRCh38, 1-based): chr9:104,782,004, T>C on the plus strand (A>G on the coding strand, the complement: ABCA1 is on the minus strand). VCF-style: chr9-104782004-T-C. GRCh37 (hg19) VCF-style: chr9-107544285-T-C.
Identifiers: ClinVar variation 364335 (VCV000364335.8), dbSNP rs4149341, ClinGen allele CA10631985.